The following is an entry in ClinVar:

NM_007325.5(GRIA3):c.1310T>C (p.Met437Thr)

Gene: GRIA3 (glutamate ionotropic receptor AMPA type subunit 3; plus strand). Cytogenetic location: Xq25.
Variant type: single nucleotide variant.
Coding change: c.1310T>C on transcript NM_007325.5 (MANE Select); coding-DNA position 1310, T replaced by C.
Protein change: p.Met437Thr; replaces methionine 437 with threonine.
Molecular consequence: missense variant.
Genome position (GRCh38, 1-based): chrX:123,404,724, T>C. VCF-style: chrX-123404724-T-C. GRCh37 (hg19) VCF-style: chrX-122538575-T-C.
Other names: c.1310T>C, p.Met437Thr (NM_000828.5); short protein forms M437T.
Identifiers: ClinVar variation 1408236 (VCV001408236.6), dbSNP rs2147384825, ClinGen allele CA414258918.

ClinVar aggregate classification (germline): Uncertain significance (1 of 4 stars; one submission).

Allele frequency attached by ClinVar (database versions not stated): gnomAD exomes below 0.00001.
gnomAD v4.1: 2 of 1,198,476 alleles (0.00017%); highest among the groups gnomAD compares: Non-Finnish European, 0.00023%; no homozygotes.

Submission:

Labcorp Genetics (formerly Invitae), Labcorp
Classification: Uncertain significance. Last evaluated: 2023-05-22. Review status: criteria provided, single submitter. Criteria: Invitae Variant Classification Sherloc (09022015). Collection method: clinical testing. Allele origin: germline.
Comment: In summary, the available evidence is currently insufficient to determine the role of this variant in disease. Therefore, it has been classified as a Variant of Uncertain Significance. Advanced modeling of protein sequence and biophysical properties (such as structural, functional, and spatial information, amino acid conservation, physicochemical variation, residue mobility, and thermodynamic stability) performed at Invitae indicates that this missense variant is not expected to disrupt GRIA3 protein function. ClinVar contains an entry for this variant (Variation ID: 1408236). This variant has not been reported in the literature in individuals affected with GRIA3-related conditions. This variant is not present in population databases (gnomAD no frequency). This sequence change replaces methionine, which is neutral and non-polar, with threonine, which is neutral and polar, at codon 437 of the GRIA3 protein (p.Met437Thr).